The following is an entry in ClinVar:

NM_194323.3(OTOF):c.3676A>G (p.Lys1226Glu)

Gene: OTOF (otoferlin; minus strand). Cytogenetic location: 2p23.3.
Variant type: single nucleotide variant.
Coding change: c.3676A>G on transcript NM_194323.3 (MANE Plus Clinical); coding-DNA position 3676, A replaced by G.
Protein change: p.Lys1226Glu; replaces lysine 1226 with glutamic acid.
Molecular consequence: missense variant. On other transcripts: 3 prime UTR variant (3).
Genome position (GRCh38, 1-based): chr2:26,458,057, T>C on the plus strand (A>G on the coding strand, the complement: OTOF is on the minus strand). VCF-style: chr2-26458057-T-C. GRCh37 (hg19) VCF-style: chr2-26680925-T-C.
Other names: c.5977A>G, p.Lys1993Glu (NM_001287489.2); c.*181A>G (NM_004802.4, NM_194248.3, NM_194322.3); short protein forms K1226E, K1993E.
Identifiers: ClinVar variation 4879900 (VCV004879900.1).

ClinVar aggregate classification (germline): Likely pathogenic (0 of 4 stars; one submission).

Conditions:
Autosomal recessive nonsyndromic hearing loss 9. Also called: NEUROSENSORY NONSYNDROMIC RECESSIVE DEAFNESS 9; OTOF-Related Hearing Loss; Deafness, autosomal recessive 9; AUDITORY NEUROPATHY, AUTOSOMAL RECESSIVE, 1, TEMPERATURE-SENSITIVE. Identifiers: Orphanet 90636, MedGen C1832828, MONDO:0010986, OMIM 601071.

Submission:

Diagnosis and Treatment Center of Genetic Hearing Loss, Eye & ENT Hospital of Fudan University
Classification: Likely pathogenic for Autosomal recessive nonsyndromic hearing loss 9. Last evaluated: 2026-02-04. Review status: no assertion criteria provided. Collection method: clinical testing, in vivo. Allele origin: germline, not applicable. Inheritance: Autosomal recessive inheritance. Affected: yes. Functional consequence: Overall loss-of-function.
Comment: The c.5977A>G (p.Lys1993Glu) variant in OTOF was reclassified as Likely Pathogenic based on PM2_Supporting (population frequency 6.366e‑7), PS3_Moderate (rescue experiments using an AAV‑hOTOF system demonstrated a deleterious effect), PM3 (detected in trans with a pathogenic variant in one proband), and PP4 (features of ANSD).